The following is an entry in ClinVar:

ClinVar aggregate classification (germline): Conflicting classifications of pathogenicity. Review status: criteria provided, conflicting classifications (1 of 4 stars). 2 submissions from 2 submitters: Likely pathogenic (1); Uncertain significance (1). Last evaluated 2025-12-01.

Conditions:
Inflammatory bowel disease 28. Also called: Inflammatory bowel disease 28, early onset, autosomal recessive. Identifiers: Orphanet 238569, MedGen C2751053, MONDO:0013153, OMIM 613148.

Allele frequency attached by ClinVar (database versions not stated): gnomAD exomes below 0.00001; ExAC 0.00001; TOPMed 0.00001.

Submissions (3):

Pele Pequeno Principe Research Institute, Faculdades Pequeno Principe
Classification: Likely pathogenic for Inflammatory bowel disease 28. Last evaluated: 2025-12-01. Review status: criteria provided, single submitter. Criteria: ACMG Guidelines, 2015. Collection method: research. Allele origin: germline. Inheritance: Autosomal recessive inheritance. Affected: yes. Observed: 1 homozygote.
Comment: The IL10RA:c.742G>A:p.G248R (GRCh38 - chr11:117995642 G>A) variant consists of a single-nucleotide substitution of guanine (G) to adenine (A), resulting in the predicted protein change (p.G248R). According to the Genome Aggregation Database (gnomAD), this variant is absent from population datasets (PM2). This variant is reported on ClinVar (Acession: VCV001717803.5) as a Variant of Uncertain Significance. In silico prediction supports that this missense variant has a deleterious effect on protein structure/function (PP3). Functional assessment of phosphorylated STAT3 production after IL10-stimulated PBMCs revealed that the patient's cells did not respond compared to the healthy control and the heterozygous mother, indicating that the homozygous variant leads to impaired function (PS3). The test was conducted internally. Based on the collective evidence, the c.G742A variant is classified as likely pathogenic for IL-10R deficiency.

Labcorp Genetics (formerly Invitae), Labcorp
Classification: Uncertain significance for Inflammatory bowel disease 28. Last evaluated: 2022-08-22. Review status: criteria provided, single submitter. Criteria: Invitae Variant Classification Sherloc (09022015). Collection method: clinical testing. Allele origin: germline.
Comment: In summary, the available evidence is currently insufficient to determine the role of this variant in disease. Therefore, it has been classified as a Variant of Uncertain Significance. Algorithms developed to predict the effect of sequence changes on RNA splicing suggest that this variant may create or strengthen a splice site. Algorithms developed to predict the effect of missense changes on protein structure and function are either unavailable or do not agree on the potential impact of this missense change (SIFT: "Tolerated"; PolyPhen-2: "Probably Damaging"; Align-GVGD: "Class C0"). This variant has not been reported in the literature in individuals affected with IL10RA-related conditions. This variant is present in population databases (rs758480654, gnomAD 0.0009%). This sequence change replaces glycine, which is neutral and non-polar, with arginine, which is basic and polar, at codon 248 of the IL10RA protein (p.Gly248Arg).

Dr. Peter K. Rogan Lab, Western University
No classification provided (evidence only). Condition: Familial cancer of breast. Review status: no classification provided. Collection method: in vitro. Allele origin: not applicable. Functional consequence: skipped exon. Not counted in ClinVar's aggregate classification.

NM_001558.4(IL10RA):c.742G>A (p.Gly248Arg)

Gene: IL10RA (interleukin 10 receptor subunit alpha; plus strand). Cytogenetic location: 11q23.3.
Variant type: single nucleotide variant.
Coding change: c.742G>A on transcript NM_001558.4 (MANE Select); coding-DNA position 742, G replaced by A.
Protein change: p.Gly248Arg; replaces glycine 248 with arginine.
Molecular consequence: missense variant. On other transcripts: non-coding transcript variant (1).
Genome position (GRCh38, 1-based): chr11:117,995,642, G>A. VCF-style: chr11-117995642-G-A. GRCh37 (hg19) VCF-style: chr11-117866357-G-A.
Other names: short protein forms G248R.
Identifiers: ClinVar variation 1717803 (VCV001717803.6), dbSNP rs758480654, ClinGen allele CA6299041.